The following is an entry in ClinVar:

ClinVar aggregate classification (germline): Likely benign. Review status: criteria provided, single submitter (1 of 4 stars). 2 submissions from 2 submitters: Likely benign (1). 1 of the submissions does not count toward it. Last evaluated 2025-04-01.

Conditions:
DNAH17-related disorder. Also called: DNAH17-related condition.

Allele frequency attached by ClinVar (database versions not stated): ExAC 0.00066; gnomAD 0.00198; TOPMed 0.00218; ESP Exome Variant Server 0.00266; 1000 Genomes Project 30x 0.00312; 1000 Genomes Project 0.00319.
gnomAD v4.1: 663 of 1,613,970 alleles (0.041%); highest among the groups gnomAD compares: African/African-American, 0.71%; 2 homozygotes.

Submissions (2):

CeGaT Center for Human Genetics Tuebingen
Classification: Likely benign. Last evaluated: 2025-04-01. Review status: criteria provided, single submitter. Criteria: CeGaT Center For Human Genetics Tuebingen Variant Classification Criteria Version 2. Collection method: clinical testing. Allele origin: germline. Affected: yes. Observed: 1 variant allele.
Comment: DNAH17: BP4

PreventionGenetics, part of Exact Sciences
Classification: Likely benign for DNAH17-related condition. Last evaluated: 2019-12-16. Review status: no assertion criteria provided. Collection method: clinical testing. Allele origin: germline. Not counted in ClinVar's aggregate classification.
Comment: This variant is classified as likely benign based on ACMG/AMP sequence variant interpretation guidelines (Richards et al. 2015 PMID: 25741868, with internal and published modifications).

NM_173628.4(DNAH17):c.4856G>A (p.Arg1619Gln)

Gene: DNAH17 (dynein axonemal heavy chain 17; minus strand). Cytogenetic location: 17q25.3.
Variant type: single nucleotide variant.
Coding change: c.4856G>A on transcript NM_173628.4 (MANE Select); coding-DNA position 4856, G replaced by A.
Protein change: p.Arg1619Gln; replaces arginine 1619 with glutamine.
Molecular consequence: missense variant.
Genome position (GRCh38, 1-based): chr17:78,505,393, C>T on the plus strand (G>A on the coding strand, the complement: DNAH17 is on the minus strand). VCF-style: chr17-78505393-C-T. GRCh37 (hg19) VCF-style: chr17-76501475-C-T.
Other names: short protein forms R1619Q.
Identifiers: ClinVar variation 3048134 (VCV003048134.9), dbSNP rs61745476, ClinGen allele CA8803556.